The following is an entry in ClinVar:

NC_000009.12:g.35658025_35658049dup

Gene: RMRP (RNA component of mitochondrial RNA processing endoribonuclease; minus strand). Cytogenetic location: 9p13.3.
Variant type: Duplication.
Genome position: GRCh38 VCF-style: chr9-35658024-C-CTCAGCTTCACAGAGTAGTATTTTAT. GRCh37 (hg19) VCF-style: chr9-35658021-C-CTCAGCTTCACAGAGTAGTATTTTAT.
Identifiers: ClinVar variation 4718306 (VCV004718306.1).

ClinVar aggregate classification (germline): Pathogenic (1 of 4 stars; one submission).

Conditions:
Anauxetic dysplasia. Identifiers: Orphanet 93347, MedGen C1846796, MONDO:0011773.

Submission:

Labcorp Genetics (formerly Invitae), Labcorp
Classification: Pathogenic for Anauxetic dysplasia. Last evaluated: 2025-05-15. Review status: criteria provided, single submitter. Criteria: Invitae Variant Classification Sherloc (09022015). Collection method: clinical testing. Allele origin: germline.
Comment: This variant occurs in the RMRP gene, which encodes an RNA molecule that does not result in a protein product. This variant is not present in population databases (gnomAD no frequency). While this particular variant has not been reported in the literature, it is located in the promoter region between the TATA box and the transcription initiation site, and other insertions and duplications immediately upstream of the coding sequence have been reported in individuals affected with cartilage-hair hypoplasia-anauxetic dysplasia (CHH-AD) spectrum disorders (PMID: 16244706, 11207361, 12107819). While functional studies for this variant have not been reported, experimental analyses using patient derived cells, as well as in vitro transfection studies, have shown that promoter insertions result in silencing of RMRP transcription and reduced expression of the gene product (PMID: 11207361, 16254002). For these reasons, this variant has been classified as Pathogenic.

Literature cited by the submitters: PubMed 16244706; PubMed 11207361; PubMed 12107819; PubMed 16254002.